The following is an entry in ClinVar:

NM_014319.5(LEMD3):c.274C>T (p.Arg92Trp)

Gene: LEMD3 (LEM domain containing 3; plus strand). Cytogenetic location: 12q14.3.
Variant type: single nucleotide variant.
Coding change: c.274C>T on transcript NM_014319.5 (MANE Select); coding-DNA position 274, C replaced by T.
Protein change: p.Arg92Trp; replaces arginine 92 with tryptophan.
Molecular consequence: missense variant.
Genome position (GRCh38, 1-based): chr12:65,169,870, C>T. VCF-style: chr12-65169870-C-T. GRCh37 (hg19) VCF-style: chr12-65563650-C-T.
Other names: c.274C>T, p.Arg92Trp (NM_001167614.2); short protein forms R92W.
Identifiers: ClinVar variation 4046839 (VCV004046839.2).

ClinVar aggregate classification (germline): Uncertain significance. Review status: criteria provided, multiple submitters, no conflicts (2 of 4 stars). 2 submissions from 2 submitters: Uncertain significance (2). Last evaluated 2025-12-31.

Conditions:
Inborn genetic diseases. Identifiers: MedGen C0950123, MeSH D030342.

Submissions (2):

Labcorp Genetics (formerly Invitae), Labcorp
Classification: Uncertain significance. Last evaluated: 2025-12-31. Review status: criteria provided, single submitter. Criteria: Invitae Variant Classification Sherloc (09022015). Collection method: clinical testing. Allele origin: germline.
Comment: This sequence change replaces arginine, which is basic and polar, with tryptophan, which is neutral and slightly polar, at codon 92 of the LEMD3 protein (p.Arg92Trp). This variant is not present in population databases (gnomAD no frequency). This variant has not been reported in the literature in individuals affected with LEMD3-related conditions. ClinVar contains an entry for this variant (Variation ID: 4046839). An algorithm developed to predict the effect of missense changes on protein structure and function (PolyPhen-2) suggests that this variant is likely to be disruptive. In summary, the available evidence is currently insufficient to determine the role of this variant in disease. Therefore, it has been classified as a Variant of Uncertain Significance.

Ambry Genetics
Classification: Uncertain significance for Inborn genetic diseases. Last evaluated: 2025-05-06. Review status: criteria provided, single submitter. Criteria: Ambry Variant Classification Scheme 2023. Collection method: clinical testing. Allele origin: germline.